The following is an entry in ClinVar:

NM_017617.5(NOTCH1):c.3710A>G (p.Lys1237Arg)

Gene: NOTCH1 (notch receptor 1; minus strand). Cytogenetic location: 9q34.3.
Variant type: single nucleotide variant.
Coding change: c.3710A>G on transcript NM_017617.5 (MANE Select); coding-DNA position 3710, A replaced by G.
Protein change: p.Lys1237Arg; replaces lysine 1237 with arginine.
Molecular consequence: missense variant.
Genome position (GRCh38, 1-based): chr9:136,506,907, T>C on the plus strand (A>G on the coding strand, the complement: NOTCH1 is on the minus strand). VCF-style: chr9-136506907-T-C. GRCh37 (hg19) VCF-style: chr9-139401359-T-C.
Other names: short protein forms K1237R.
Identifiers: ClinVar variation 1314130 (VCV001314130.6), dbSNP rs576434469, ClinGen allele CA5340816.

ClinVar aggregate classification (germline): Conflicting classifications of pathogenicity. Review status: criteria provided, conflicting classifications (1 of 4 stars). 2 submissions from 2 submitters: Uncertain significance (1); Benign (1). Last evaluated 2025-05-19.

Conditions:
Adams-Oliver syndrome 5 (AOS5). Identifiers: Orphanet 974, MedGen C4014970, MONDO:0014459, OMIM 616028.

Allele frequency attached by ClinVar (database versions not stated): gnomAD exomes below 0.00001; ExAC 0.00001; gnomAD 0.00001; 1000 Genomes Project 30x 0.00016; 1000 Genomes Project 0.00020.
gnomAD v4.1: 3 of 1,611,722 alleles (0.00019%); highest among the groups gnomAD compares: African/African-American, 0.0027%; no homozygotes.

Submissions (2):

Labcorp Genetics (formerly Invitae), Labcorp
Classification: Benign for Adams-Oliver syndrome 5. Last evaluated: 2025-05-19. Review status: criteria provided, single submitter. Criteria: Invitae Variant Classification Sherloc (09022015). Collection method: clinical testing. Allele origin: germline.

GeneDx
Classification: Uncertain significance. Last evaluated: 2021-02-24. Review status: criteria provided, single submitter. Criteria: GeneDx Variant Classification Process June 2021. Collection method: clinical testing. Allele origin: germline. Affected: yes.
Comment: Not observed at a significant frequency in large population cohorts (Lek et al., 2016); In silico analysis supports that this missense variant does not alter protein structure/function; Has not been previously published as pathogenic or benign to our knowledge